The following is an entry in ClinVar:

NM_182914.3(SYNE2):c.17141G>A (p.Arg5714His)

Gene: SYNE2 (spectrin repeat containing nuclear envelope protein 2; plus strand). Cytogenetic location: 14q23.2.
Variant type: single nucleotide variant.
Coding change: c.17141G>A on transcript NM_182914.3 (MANE Select); coding-DNA position 17141, G replaced by A.
Protein change: p.Arg5714His; replaces arginine 5714 with histidine.
Molecular consequence: missense variant.
Genome position (GRCh38, 1-based): chr14:64,170,368, G>A. VCF-style: chr14-64170368-G-A. GRCh37 (hg19) VCF-style: chr14-64637086-G-A.
Other names: c.17141G>A, p.Arg5714His (NM_015180.6); short protein forms R5714H.
Identifiers: ClinVar variation 861745 (VCV000861745.37), dbSNP rs200137127, ClinGen allele CA7223603.
Genomic context (GRCh38, chr14:64,170,368, plus strand): 5'-ACGTTGATGGGCTGGTGAGGCAGTGGCAAGATTTCACTACTTCTGTGGAGAACTTGTTTC[G>A]CTTCCTCACTGACACCAGCCACCTGCTATCTGCAGTGAAGGGCCAGGAGCGCTTCAGCCT-3'
Protein context (NP_878918.2, residues 5704-5724): DFTTSVENLF[Arg5714His]FLTDTSHLLS

ClinVar aggregate classification (germline): Conflicting classifications of pathogenicity. Review status: criteria provided, conflicting classifications (1 of 4 stars). 5 submissions from 5 submitters: Uncertain significance (4); Likely benign (1). Last evaluated 2025-09-09.

Conditions:
Emery-Dreifuss muscular dystrophy 5, autosomal dominant (EDMD5). Also called: EMERY-DREIFUSS MUSCULAR DYSTROPHY 5. Identifiers: Orphanet 261, MedGen C2751805, MONDO:0013072, OMIM 612999.

Allele frequency attached by ClinVar (database versions not stated): gnomAD 0.00003 and 0.00004; TOPMed 0.00004; gnomAD exomes 0.00007 and 0.00014; ExAC 0.00017.
gnomAD v4.1: 116 of 1,614,018 alleles (0.0072%); highest among the groups gnomAD compares: Middle Eastern, 0.16%; 1 homozygote.

Submissions (5):

Labcorp Genetics (formerly Invitae), Labcorp
Classification: Uncertain significance for Emery-Dreifuss muscular dystrophy 5, autosomal dominant. Last evaluated: 2025-09-09. Review status: criteria provided, single submitter. Criteria: Invitae Variant Classification Sherloc (09022015). Collection method: clinical testing. Allele origin: germline.
Comment: This sequence change replaces arginine, which is basic and polar, with histidine, which is basic and polar, at codon 5714 of the SYNE2 protein (p.Arg5714His). This variant is present in population databases (rs200137127, gnomAD 0.02%). This variant has not been reported in the literature in individuals affected with SYNE2-related conditions. ClinVar contains an entry for this variant (Variation ID: 861745). An algorithm developed to predict the effect of missense changes on protein structure and function outputs the following: PolyPhen-2: "Benign". The histidine amino acid residue is found in multiple mammalian species, which suggests that this missense change does not adversely affect protein function. In summary, the available evidence is currently insufficient to determine the role of this variant in disease. Therefore, it has been classified as a Variant of Uncertain Significance.

Ambry Genetics
Classification: Uncertain significance. Last evaluated: 2025-03-27. Review status: criteria provided, single submitter. Criteria: Ambry Variant Classification Scheme 2023. Collection method: clinical testing. Allele origin: germline.

CeGaT Center for Human Genetics Tuebingen
Classification: Likely benign. Last evaluated: 2023-01-01. Review status: criteria provided, single submitter. Criteria: CeGaT Center For Human Genetics Tuebingen Variant Classification Criteria Version 2. Collection method: clinical testing. Allele origin: germline. Affected: yes. Observed: 1 variant allele.
Comment: SYNE2: BP4, BS1

Athena Diagnostics
Classification: Uncertain significance. Last evaluated: 2021-01-12. Review status: criteria provided, single submitter. Criteria: Athena Diagnostics criteria. Collection method: clinical testing. Allele origin: unknown.

Revvity Omics, Revvity
Classification: Uncertain significance for Emery-Dreifuss muscular dystrophy 5, autosomal dominant. Last evaluated: 2019-03-22. Review status: criteria provided, single submitter. Criteria: ACMG Guidelines, 2015. Collection method: clinical testing. Allele origin: germline.